The following is an entry in ClinVar:

ClinVar aggregate classification (germline): Benign/Likely benign. Review status: criteria provided, multiple submitters, no conflicts (2 of 4 stars). 9 submissions from 6 submitters: Benign (5); Likely benign (4). Last evaluated 2025-11-27.

Conditions:
Autosomal recessive limb-girdle muscular dystrophy type 2J (LGMDR10). Also called: Limb-girdle muscular dystrophy, type 2J; MUSCULAR DYSTROPHY, LIMB-GIRDLE, AUTOSOMAL RECESSIVE 10. Identifiers: Orphanet 140922, MedGen C1837342, MONDO:0012127, OMIM 608807.
Dilated cardiomyopathy 1G (CMD1G). Identifiers: Orphanet 154, MedGen C1858763, MONDO:0011400, OMIM 604145.
Early-onset myopathy with fatal cardiomyopathy (CMYO5). Also called: Salih Myopathy; CONGENITAL MYOPATHY 5 WITH CARDIOMYOPATHY. Identifiers: Orphanet 289377, MedGen C2673677, MONDO:0012714, OMIM 611705. Disease mechanism: loss of function.
Myopathy, myofibrillar, 9, with early respiratory failure (MFM9). Also called: EDSTROM MYOPATHY; MYOPATHY, PROXIMAL, WITH EARLY RESPIRATORY MUSCLE INVOLVEMENT; Hereditary myopathy with early respiratory failure; Myopathy, distal, with early respiratory failure, autosomal dominant. Identifiers: Orphanet 178464, Orphanet 34521, MedGen C1863599, MONDO:0011362, OMIM 603689.
Tibial muscular dystrophy (TMD). Also called: Udd Distal Myopathy – Tibial Muscular Dystrophy; UDD MYOPATHY; Tibial muscular dystrophy, tardive. Identifiers: Orphanet 609, MedGen C1838244, MONDO:0010870, OMIM 600334.

Allele frequency attached by ClinVar (database versions not stated): gnomAD 0.00003 and 0.00009; gnomAD exomes 0.00005 and 0.00008; TOPMed 0.00010; ExAC 0.00014; 1000 Genomes Project 30x 0.00062; 1000 Genomes Project 0.00080.
gnomAD v4.1: 94 of 1,613,284 alleles (0.0058%); highest among the groups gnomAD compares: South Asian, 0.067%; no homozygotes.

Submissions (9):

Labcorp Genetics (formerly Invitae), Labcorp
Classification: Likely benign for Dilated cardiomyopathy 1G; Autosomal recessive limb-girdle muscular dystrophy type 2J. Last evaluated: 2025-11-27. Review status: criteria provided, single submitter. Criteria: Invitae Variant Classification Sherloc (09022015). Collection method: clinical testing. Allele origin: germline.

Blueprint Genetics
Classification: Likely benign. Last evaluated: 2023-01-26. Review status: criteria provided, single submitter. Criteria: ACMG Guidelines, 2015. Collection method: clinical testing. Allele origin: germline.

Genome-Nilou Lab
Classification: Benign for Autosomal recessive limb-girdle muscular dystrophy type 2J. Last evaluated: 2021-09-10. Review status: criteria provided, single submitter. Criteria: ACMG Guidelines, 2015. Collection method: clinical testing. Allele origin: germline. Affected: no.

Genome-Nilou Lab
Classification: Benign for Myopathy, myofibrillar, 9, with early respiratory failure. Last evaluated: 2021-09-10. Review status: criteria provided, single submitter. Criteria: ACMG Guidelines, 2015. Collection method: clinical testing. Allele origin: germline. Affected: no.

Genome-Nilou Lab
Classification: Benign for Early-onset myopathy with fatal cardiomyopathy. Last evaluated: 2021-09-10. Review status: criteria provided, single submitter. Criteria: ACMG Guidelines, 2015. Collection method: clinical testing. Allele origin: germline. Affected: no.

Genome-Nilou Lab
Classification: Benign for Tibial muscular dystrophy. Last evaluated: 2021-09-10. Review status: criteria provided, single submitter. Criteria: ACMG Guidelines, 2015. Collection method: clinical testing. Allele origin: germline. Affected: no.

Athena Diagnostics
Classification: Benign. Last evaluated: 2016-12-12. Review status: criteria provided, single submitter. Criteria: Athena Diagnostics Criteria. Collection method: clinical testing. Allele origin: germline.

Eurofins Ntd Llc (ga)
Classification: Likely benign. Last evaluated: 2016-07-12. Review status: criteria provided, single submitter. Criteria: EGL Classification Definitions 2015. Collection method: clinical testing. Allele origin: germline. Observed: 1 variant allele, 1 heterozygote.

Laboratory for Molecular Medicine, Mass General Brigham Personalized Medicine
Classification: Likely benign. Last evaluated: 2012-02-21. Review status: criteria provided, single submitter. Criteria: LMM Criteria. Collection method: clinical testing. Allele origin: germline. Observed: 2 variant alleles.
Comment: Lys5362Lys in exon 65 of TTN: This variant is not expected to have clinical sign ificance because it does not alter an amino acid residue and is not located with in the splice consensus sequence. Lys5362Lys in exon 65 of TTN (allele frequenc y = n/a)

NM_001267550.2(TTN):c.19818A>G (p.Lys6606=)

Genes: TTN (titin; minus strand), LOC126806429 (BRD4-independent group 4 enhancer GRCh37_chr2:179591393-179592592; plus strand). Cytogenetic location: 2q31.2.
Variant type: single nucleotide variant.
Coding change: c.19818A>G on transcript NM_001267550.2 (MANE Select); coding-DNA position 19818, A replaced by G.
Protein change: p.Lys6606=; no amino-acid change (lysine 6606 retained).
Molecular consequence: synonymous variant. On other transcripts: intron variant (3).
Genome position (GRCh38, 1-based): chr2:178,727,760, T>C on the plus strand (A>G on the coding strand, the complement: TTN is on the minus strand). VCF-style: chr2-178727760-T-C. GRCh37 (hg19) VCF-style: chr2-179592487-T-C.
Other names: c.18867A>G, p.Lys6289= (NM_001256850.1); c.13282+10322A>G (NM_003319.4); c.13858+10322A>G (NM_133437.4); c.13657+10322A>G (NM_133432.3); c.16086A>G, p.Lys5362= (NM_133378.4).
Identifiers: ClinVar variation 46662 (VCV000046662.30), dbSNP rs397517492, ClinGen allele CA138886.